The following is an entry in ClinVar:

NM_015310.4(PSD3):c.1565C>T (p.Thr522Ile)

Gene: PSD3 (pleckstrin and Sec7 domain containing 3; minus strand). Cytogenetic location: 8p22.
Variant type: single nucleotide variant.
Coding change: c.1565C>T on transcript NM_015310.4 (MANE Select); coding-DNA position 1565, C replaced by T.
Protein change: p.Thr522Ile; replaces threonine 522 with isoleucine.
Molecular consequence: missense variant.
Genome position (GRCh38, 1-based): chr8:18,867,743, G>A on the plus strand (C>T on the coding strand, the complement: PSD3 is on the minus strand). VCF-style: chr8-18867743-G-A. GRCh37 (hg19) VCF-style: chr8-18725253-G-A.
Other names: c.1466C>T, p.Thr489Ile (NM_001362819.2); c.1868C>T, p.Thr623Ile (NM_001412865.1, NM_001412866.1, NM_001412867.1 and 2 more transcripts); c.1565C>T, p.Thr522Ile (NM_001412870.1, NM_001412873.1, NM_001412877.1 and 2 more transcripts); c.1463C>T, p.Thr488Ile (NM_001412871.1, NM_001412872.1, NM_001412880.1); c.1370C>T, p.Thr457Ile (NM_001412874.1, NM_001412882.1, NM_001412883.1); c.1604C>T, p.Thr535Ile (NM_001412875.1); c.1562C>T, p.Thr521Ile (NM_001412876.1); short protein forms T457I, T488I, T489I, T521I, T522I, T535I, T623I.
Identifiers: ClinVar variation 3046045 (VCV003046045.2), dbSNP rs199505605, ClinGen allele CA4652475.

ClinVar aggregate classification (germline): Likely benign (0 of 4 stars; one submission).

Conditions:
PSD3-related disorder. Also called: PSD3-related condition.

Allele frequency attached by ClinVar (database versions not stated): gnomAD exomes 0.00007; ExAC 0.00022; ESP Exome Variant Server 0.00071; gnomAD 0.00086; TOPMed 0.00094; 1000 Genomes Project 30x 0.00141; 1000 Genomes Project 0.00160.
gnomAD v4.1: 234 of 1,614,104 alleles (0.014%); highest among the groups gnomAD compares: African/African-American, 0.3%; 1 homozygote.

Submission:

PreventionGenetics, part of Exact Sciences
Classification: Likely benign for PSD3-related condition. Last evaluated: 2023-05-16. Review status: no assertion criteria provided. Collection method: clinical testing. Allele origin: germline.
Comment: This variant is classified as likely benign based on ACMG/AMP sequence variant interpretation guidelines (Richards et al. 2015 PMID: 25741868, with internal and published modifications).